The following is an entry in ClinVar:

NM_001128178.3(NPHP1):c.1886_1893del (p.Trp629fs)

Gene: NPHP1 (nephrocystin 1; minus strand). Cytogenetic location: 2q13.
Variant type: Deletion.
Coding change: c.1886_1893del on transcript NM_001128178.3 (MANE Select); coding-DNA positions 1886 to 1893, 8 bases deleted (GGAAAGTT; older notation c.1886_1893delGGAAAGTT).
Protein change: p.Trp629fs; shifts the reading frame from tryptophan 629.
Molecular consequence: frameshift variant. On other transcripts: 3 prime UTR variant (1).
Genome position (GRCh38, 1-based): chr2:110,123,932-110,123,939, AACTTTCC deleted on the plus strand (GGAAAGTT on the coding strand, the reverse complement: NPHP1 is on the minus strand); deleting any 8 consecutive bases within chr2:110,123,932-110,123,940 gives the same sequence; the c. name uses the placement nearest the transcript's 3' end. VCF-style (leftmost placement, unchanged base first): chr2-110123931-TAACTTTCC-T. GRCh37 (hg19) VCF-style: chr2-110881508-TAACTTTCC-T.
Other names: c.*128_*135del (NM_001374257.1); c.2051_2058del, p.Trp684fs (NM_207181.4); c.2054_2061del, p.Trp685fs (NM_000272.5); c.1697_1704del, p.Trp566fs (NM_001128179.3); c.1883_1890del, p.Trp628fs (NM_001374256.1); short protein forms W628fs, W629fs, W566fs, W684fs, W685fs.
Identifiers: ClinVar variation 2743163 (VCV002743163.3), dbSNP rs2467118161, ClinGen allele CA2697551000.
Genomic context (GRCh38, chr2:110,123,931, plus strand): 5'-GTGACAGCAGAGCTTGGAGGGCGCCCTGGTTTTCTTGGTTTTGCTTAAGGAAGTCAGTGA[TAACTTTCC>T]ACCGTGCAGTCTCAGTCTCTTCTTCTGCCCACCTGAATGGGGGTAGGCGTGTGGAGTGGA-3'

ClinVar aggregate classification (germline): Pathogenic (1 of 4 stars; one submission).

Conditions:
Nephronophthisis. Also called: Juvenile Nephronophthisis. Identifiers: Orphanet 655, MedGen C0687120, MONDO:0019005, HP:0000090.

Submission:

Labcorp Genetics (formerly Invitae), Labcorp
Classification: Pathogenic for Nephronophthisis. Last evaluated: 2023-07-13. Review status: criteria provided, single submitter. Criteria: Invitae Variant Classification Sherloc (09022015). Collection method: clinical testing. Allele origin: germline.
Comment: This variant disrupts a region of the NPHP1 protein in which other variant(s) (p.Ser718*) have been determined to be pathogenic (PMID: 23559409). This suggests that this is a clinically significant region of the protein, and that variants that disrupt it are likely to be disease-causing. For these reasons, this variant has been classified as Pathogenic. This variant has not been reported in the literature in individuals affected with NPHP1-related conditions. This sequence change creates a premature translational stop signal (p.Trp685Tyrfs*3) in the NPHP1 gene. While this is not anticipated to result in nonsense mediated decay, it is expected to disrupt the last 49 amino acid(s) of the NPHP1 protein. This variant is not present in population databases (gnomAD no frequency).

Literature cited by the submitters: PubMed 23559409.